The following is an entry in ClinVar:

NM_001278716.2(FBXL4):c.394G>A (p.Glu132Lys)

Gene: FBXL4 (F-box and leucine rich repeat protein 4; minus strand). Cytogenetic location: 6q16.2.
Variant type: single nucleotide variant.
Coding change: c.394G>A on transcript NM_001278716.2 (MANE Select); coding-DNA position 394, G replaced by A.
Protein change: p.Glu132Lys; replaces glutamic acid 132 with lysine.
Molecular consequence: missense variant. On other transcripts: non-coding transcript variant (2).
Genome position (GRCh38, 1-based): chr6:98,926,595, C>T on the plus strand (G>A on the coding strand, the complement: FBXL4 is on the minus strand). VCF-style: chr6-98926595-C-T. GRCh37 (hg19) VCF-style: chr6-99374471-C-T.
Other names: c.394G>A, p.Glu132Lys (NM_012160.5); short protein forms E132K.
Identifiers: ClinVar variation 437568 (VCV000437568.1), dbSNP rs140176220, ClinGen allele CA3933699.

ClinVar aggregate classification (germline): Uncertain significance (1 of 4 stars; one submission).

Conditions:
Mitochondrial DNA depletion syndrome 13. Also called: FBXL4-Related Encephalomyopathic Mitochondrial DNA Depletion Syndrome; Mitochondrial DNA depletion syndrome 13 (encephalomyopathic type). Identifiers: Orphanet 369897, MedGen C3809592, MONDO:0014198, OMIM 615471.

Allele frequency attached by ClinVar (database versions not stated): gnomAD exomes 0.00001 and below 0.00001; TOPMed 0.00001; gnomAD 0.00001; ExAC 0.00002; ESP Exome Variant Server 0.00008.

Submission:

Wong Mito Lab, Molecular and Human Genetics, Baylor College of Medicine
Classification: Uncertain significance for Mitochondrial DNA depletion syndrome 13. Last evaluated: 2017-08-10. Review status: criteria provided, single submitter. Criteria: ACMG Guidelines, 2015. Collection method: reference population. Allele origin: germline.
Comment: The NM_012160.4:c.394G>A (NP_036292.2:p.Glu132Lys) [GRCH38: NC_000006.12:g.98926595C>T] variant in FBXL4 gene is interpretated to be a Uncertain Significance - Conflicting Evidence based on ACMG guidelines (PMID: 25741868). This variant meets one or more of the following evidence codes reported in the ACMG-guideline. PM2:This variant is absent in key population databases. BP4:Computational evidence/predictors indicate no impact on the FBXL4 structure, function, or protein-protein interaction. Based on this evidence code ClinGen Pathogenicity Calculator (PMID:28081714) suggested that the variant is Uncertain Significance - Conflicting Evidence.